The following is an entry in ClinVar:

NM_178510.2(ANKK1):c.554G>A (p.Arg185Gln)

Gene: ANKK1 (ankyrin repeat and kinase domain containing 1; plus strand). Cytogenetic location: 11q23.2.
Variant type: single nucleotide variant.
Coding change: c.554G>A on transcript NM_178510.2 (MANE Select); coding-DNA position 554, G replaced by A.
Protein change: p.Arg185Gln; replaces arginine 185 with glutamine.
Molecular consequence: missense variant.
Genome position (GRCh38, 1-based): chr11:113,395,002, G>A. VCF-style: chr11-113395002-G-A. GRCh37 (hg19) VCF-style: chr11-113265724-G-A.
Other names: short protein forms R185Q.
Identifiers: ClinVar variation 768484 (VCV000768484.7), dbSNP rs115800217, ClinGen allele CA6280647.

ClinVar aggregate classification (germline): Benign. Review status: criteria provided, multiple submitters, no conflicts (2 of 4 stars). 3 submissions from 3 submitters: Benign (2). 1 of the submissions does not count toward it. Last evaluated 2019-12-31.

Conditions:
ANKK1-related disorder. Also called: ANKK1-related condition.

Allele frequency attached by ClinVar (database versions not stated): gnomAD exomes 0.00753; ExAC 0.00974; gnomAD 0.03019 and 0.03217; ESP Exome Variant Server 0.03126; TOPMed 0.03338; 1000 Genomes Project 30x 0.03779; 1000 Genomes Project 0.03794.
gnomAD v4.1: 8,769 of 1,613,388 alleles (0.54%); highest among the groups gnomAD compares: African/African-American, 10%; 431 homozygotes.

Submissions (3):

Labcorp Genetics (formerly Invitae), Labcorp
Classification: Benign. Last evaluated: 2019-12-31. Review status: criteria provided, single submitter. Criteria: Invitae Variant Classification Sherloc (09022015). Collection method: clinical testing. Allele origin: germline.

Breakthrough Genomics
Classification: Benign. Review status: criteria provided, single submitter. Criteria: ACMG Guidelines, 2015. Collection method: not provided. Allele origin: germline. Inheritance: Unknown mechanism. Affected: yes.

PreventionGenetics, part of Exact Sciences
Classification: Benign for ANKK1-related condition. Last evaluated: 2019-12-05. Review status: no assertion criteria provided. Collection method: clinical testing. Allele origin: germline. Not counted in ClinVar's aggregate classification.
Comment: This variant is classified as benign based on ACMG/AMP sequence variant interpretation guidelines (Richards et al. 2015 PMID: 25741868, with internal and published modifications).